The following is an entry in ClinVar:

NM_004393.6(DAG1):c.2081A>G (p.Asn694Ser)

Gene: DAG1 (dystroglycan 1; plus strand). Cytogenetic location: 3p21.31.
Variant type: single nucleotide variant.
Coding change: c.2081A>G on transcript NM_004393.6 (MANE Select); coding-DNA position 2081, A replaced by G.
Protein change: p.Asn694Ser; replaces asparagine 694 with serine.
Molecular consequence: missense variant.
Genome position (GRCh38, 1-based): chr3:49,532,592, A>G. VCF-style: chr3-49532592-A-G. GRCh37 (hg19) VCF-style: chr3-49570025-A-G.
Other names: c.2081A>G, p.Asn694Ser (NM_001165928.4, NM_001177634.3, NM_001177635.3 and 9 more transcripts); short protein forms N694S.
Identifiers: ClinVar variation 2182541 (VCV002182541.2), dbSNP rs1381150327, ClinGen allele CA352796768.

ClinVar aggregate classification (germline): Uncertain significance (1 of 4 stars; one submission).

Conditions:
Muscular dystrophy-dystroglycanopathy (congenital with brain and eye anomalies), type A9. Also called: Muscular dystrophy-dystroglycanopathy (congenital with brain and eye anomalies), type a, 9; WALKER-WARBURG SYNDROME OR MUSCLE-EYE BRAIN DISEASE, DAG1-RELATED. Identifiers: Orphanet 370997, Orphanet 899, MedGen C4225291, MONDO:0014683, OMIM 616538.
Autosomal recessive limb-girdle muscular dystrophy type 2P. Also called: MUSCULAR DYSTROPHY-DYSTROGLYCANOPATHY, LIMB-GIRDLE, DAG1-RELATED; MUSCULAR DYSTROPHY, LIMB-GIRDLE, TYPE 2P; Limb-Girdle Muscular Dystrophy Type 9C. Identifiers: Orphanet 280333, MedGen C4511963, MONDO:0013440, OMIM 613818.

Allele frequency attached by ClinVar (database versions not stated): gnomAD exomes below 0.00001.
gnomAD v4.1: 1 of 1,612,520 alleles (0.000062%); highest among the groups gnomAD compares: Middle Eastern, 0.017%; no homozygotes.

Submission:

Labcorp Genetics (formerly Invitae), Labcorp
Classification: Uncertain significance for Autosomal recessive limb-girdle muscular dystrophy type 2P; Muscular dystrophy-dystroglycanopathy (congenital with brain and eye anomalies), type A9. Last evaluated: 2022-12-02. Review status: criteria provided, single submitter. Criteria: Invitae Variant Classification Sherloc (09022015). Collection method: clinical testing. Allele origin: germline.
Comment: In summary, the available evidence is currently insufficient to determine the role of this variant in disease. Therefore, it has been classified as a Variant of Uncertain Significance. Advanced modeling of protein sequence and biophysical properties (such as structural, functional, and spatial information, amino acid conservation, physicochemical variation, residue mobility, and thermodynamic stability) performed at Invitae indicates that this missense variant is not expected to disrupt DAG1 protein function. This variant has not been reported in the literature in individuals affected with DAG1-related conditions. This variant is not present in population databases (gnomAD no frequency). This sequence change replaces asparagine, which is neutral and polar, with serine, which is neutral and polar, at codon 694 of the DAG1 protein (p.Asn694Ser).